The following is an entry in ClinVar:

ClinVar aggregate classification (germline): Uncertain significance. Review status: criteria provided, multiple submitters, no conflicts (2 of 4 stars). 2 submissions from 2 submitters: Uncertain significance (2). Last evaluated 2025-05-26.

gnomAD v4.1: 33 of 1,609,928 alleles (0.002%); highest among the groups gnomAD compares: East Asian, 0.069%; no homozygotes.

Submissions (2):

Ambry Genetics
Classification: Uncertain significance. Last evaluated: 2025-05-26. Review status: criteria provided, single submitter. Criteria: Ambry Variant Classification Scheme 2023. Collection method: clinical testing. Allele origin: germline.

Labcorp Genetics (formerly Invitae), Labcorp
Classification: Uncertain significance. Last evaluated: 2024-12-19. Review status: criteria provided, single submitter. Criteria: Invitae Variant Classification Sherloc (09022015). Collection method: clinical testing. Allele origin: germline.
Comment: This sequence change replaces glutamine, which is neutral and polar, with arginine, which is basic and polar, at codon 248 of the MKL1 protein (p.Gln248Arg). This variant is present in population databases (rs578063008, gnomAD 0.05%). This variant has not been reported in the literature in individuals affected with MKL1-related conditions. An algorithm developed to predict the effect of missense changes on protein structure and function (PolyPhen-2) suggests that this variant is likely to be disruptive. In summary, the available evidence is currently insufficient to determine the role of this variant in disease. Therefore, it has been classified as a Variant of Uncertain Significance.

NM_020831.6(MRTFA):c.1043A>G (p.Gln348Arg)

Gene: MRTFA (myocardin related transcription factor A; minus strand). Cytogenetic location: 22q13.1.
Variant type: single nucleotide variant.
Coding change: c.1043A>G on transcript NM_020831.6 (MANE Select); coding-DNA position 1043, A replaced by G.
Protein change: p.Gln348Arg; replaces glutamine 348 with arginine.
Molecular consequence: missense variant.
Genome position (GRCh38, 1-based): chr22:40,420,985, T>C on the plus strand (A>G on the coding strand, the complement: MRTFA is on the minus strand). VCF-style: chr22-40420985-T-C. GRCh37 (hg19) VCF-style: chr22-40816989-T-C.
Other names: c.743A>G, p.Gln248Arg (NM_001282660.2); c.893A>G, p.Gln298Arg (NM_001282661.3); c.1043A>G, p.Gln348Arg (NM_001282662.3); c.848A>G, p.Gln283Arg (NM_001318139.2); c.743A>G (NM_020831.3); short protein forms Q248R, Q298R, Q283R, Q348R.
Identifiers: ClinVar variation 3719486 (VCV003719486.3).
Genomic context (GRCh38, chr22:40,420,985, plus strand): 5'-AGCTGCTGCTGCTGCAGGATCTTGGCGTAGGATGAGTCCATGGGGGGTGCCCCCCTGTCC[T>C]GCTTCTGGTCCGGGGGGATGTACTGGTGGTACTTGAGCTTCTTCACCTTTGGCTTCAGCT-3'
Protein context (NP_065882.2, residues 338-358): YHQYIPPDQK[Gln348Arg]DRGAPPMDSS